The following is an entry in ClinVar:

ClinVar aggregate classification (germline): Uncertain significance. Review status: criteria provided, multiple submitters, no conflicts (2 of 4 stars). 3 submissions from 3 submitters: Uncertain significance (3). Last evaluated 2024-05-30.

Conditions:
RYR1-related disorder. Also called: RYR1-related condition; RYR1-related disorders. Identifiers: MedGen CN239331.
Malignant hyperthermia, susceptibility to, 1 (MHS1). Also called: RYR1-Related Malignant Hyperthermia Susceptibility; Malignant hyperthermia suceptibility 1; Anesthesia related hyperthermia; Malignant hyperpyrexia; Fulminating hyperpyrexia; Pharmacogenic myopathy. Identifiers: Orphanet 423, MedGen C2930980, MONDO:0007783, OMIM 145600.

Allele frequency attached by ClinVar (database versions not stated): gnomAD exomes below 0.00001; TOPMed below 0.00001; ExAC 0.00002.
gnomAD v4.1: 2 of 1,440,694 alleles (0.00014%); highest among the groups gnomAD compares: East Asian, 0.0033%; no homozygotes.

Submissions (3):

All of Us Research Program, National Institutes of Health
Classification: Uncertain significance for Malignant hyperthermia, susceptibility to, 1. Last evaluated: 2024-05-30. Review status: criteria provided, single submitter. Criteria: ACMG Guidelines, 2015. Collection method: clinical testing. Allele origin: germline. Inheritance: Autosomal dominant inheritance. Observed: 3 variant alleles, 3 heterozygotes.
Comment: This missense variant replaces leucine with phenylalanine at codon 2610 of the RYR1 protein. Computational prediction suggests that this variant may not impact protein structure and function (internally defined REVEL score threshold <= 0.5, PMID: 27666373). To our knowledge, functional studies have not been reported for this variant. This variant has not been reported in individuals affected with RYR1-related disorders in the literature. This variant has been identified in 2/241912 chromosomes in the general population by the Genome Aggregation Database (gnomAD). The available evidence is insufficient to determine the role of this variant in disease conclusively. Therefore, this variant is classified as a Variant of Uncertain Significance.

This study involves interpretation of variants in research participants for the purpose of population health screening. Participant phenotype was not available at the time of variant classification. Additional details can be found in publication PMID: 35346344, PMCID: PMC8962531

Mayo Clinic Laboratories, Mayo Clinic
Classification: Uncertain significance. Last evaluated: 2023-12-13. Review status: criteria provided, single submitter. Criteria: ACMG Guidelines, 2015. Collection method: clinical testing. Allele origin: germline. Observed: 1 variant allele.

Labcorp Genetics (formerly Invitae), Labcorp
Classification: Uncertain significance for RYR1-related disorder. Last evaluated: 2021-11-11. Review status: criteria provided, single submitter. Criteria: Invitae Variant Classification Sherloc (09022015). Collection method: clinical testing. Allele origin: germline.
Comment: This sequence change replaces leucine, which is neutral and non-polar, with phenylalanine, which is neutral and non-polar, at codon 2610 of the RYR1 protein (p.Leu2610Phe). This variant is present in population databases (rs771077847, gnomAD 0.006%). This variant has not been reported in the literature in individuals affected with RYR1-related conditions. Advanced modeling of protein sequence and biophysical properties (such as structural, functional, and spatial information, amino acid conservation, physicochemical variation, residue mobility, and thermodynamic stability) performed at Invitae indicates that this missense variant is not expected to disrupt RYR1 protein function. In summary, the available evidence is currently insufficient to determine the role of this variant in disease. Therefore, it has been classified as a Variant of Uncertain Significance.

NM_000540.3(RYR1):c.7828C>T (p.Leu2610Phe)

Gene: RYR1 (ryanodine receptor 1; plus strand). Cytogenetic location: 19q13.2.
Variant type: single nucleotide variant.
Coding change: c.7828C>T on transcript NM_000540.3 (MANE Select); coding-DNA position 7828, C replaced by T.
Protein change: p.Leu2610Phe; replaces leucine 2610 with phenylalanine.
Molecular consequence: missense variant.
Genome position (GRCh38, 1-based): chr19:38,502,720, C>T. VCF-style: chr19-38502720-C-T. GRCh37 (hg19) VCF-style: chr19-38993360-C-T.
Other names: p.Leu2610Phe; c.7828C>T, p.Leu2610Phe (NM_001042723.2); short protein forms L2610F.
Identifiers: ClinVar variation 2140220 (VCV002140220.4), dbSNP rs771077847, ClinGen allele CA070357.